The following is an entry in ClinVar:

ClinVar aggregate classification (germline): Uncertain significance (1 of 4 stars; one submission).

Submission:

GeneDx
Classification: Uncertain significance. Last evaluated: 2025-01-15. Review status: criteria provided, single submitter. Criteria: GeneDx Variant Classification Process June 2021. Collection method: clinical testing. Allele origin: germline. Affected: yes.
Comment: Not observed at significant frequency in large population cohorts (gnomAD); In silico analysis indicates that this missense variant does not alter protein structure/function; Has not been previously published as pathogenic or benign to our knowledge

NM_020436.5(SALL4):c.1240G>A (p.Val414Ile)

Gene: SALL4 (spalt like transcription factor 4; minus strand). Cytogenetic location: 20q13.2.
Variant type: single nucleotide variant.
Coding change: c.1240G>A on transcript NM_020436.5 (MANE Select); coding-DNA position 1240, G replaced by A.
Protein change: p.Val414Ile; replaces valine 414 with isoleucine.
Molecular consequence: missense variant. On other transcripts: intron variant (1).
Genome position (GRCh38, 1-based): chr20:51,791,243, C>T on the plus strand (G>A on the coding strand, the complement: SALL4 is on the minus strand). VCF-style: chr20-51791243-C-T. GRCh37 (hg19) VCF-style: chr20-50407782-C-T.
Other names: c.1150+90G>A (NM_001318031.2); short protein forms V414I.
Identifiers: ClinVar variation 4070603 (VCV004070603.1).
Genomic context (GRCh38, chr20:51,791,243, plus strand): 5'-GGGGATGTCGGTGAAAGTGCACCTTGAGGTTGCCCTTGGTGGTGAAGCGATGACCACAGA[C>T]AGAGCACACGAAGGGTCTCTCTCCAGTGTGGGAGCGGAGGTGGATCTGCAAGGAGCTATC-3'
Protein context (NP_065169.1, residues 404-424): HTGERPFVCS[Val414Ile]CGHRFTTKGN